The following is an entry in ClinVar:

ClinVar aggregate classification (germline): Likely benign. Review status: criteria provided, multiple submitters, no conflicts (2 of 4 stars). 4 submissions from 4 submitters: Likely benign (4). Last evaluated 2025-12-09.

Conditions:
Hereditary cancer-predisposing syndrome. Also called: Neoplastic Syndromes, Hereditary; Hereditary neoplastic syndrome; Tumor predisposition; Hereditary Cancer Syndrome. Identifiers: Orphanet 140162, MedGen C0027672, MeSH D009386, MONDO:0015356.
Familial cancer of breast. Also called: BREAST CANCER, FAMILIAL; hereditary breast carcinoma; Hereditary breast cancer. Identifiers: Orphanet 227535, MedGen C0346153, MONDO:0016419, OMIM 114480. Disease mechanism: loss of function.
Ataxia-telangiectasia syndrome (AT). Also called: AT, COMPLEMENTATION GROUP C; ATAXIA-TELANGIECTASIA, COMPLEMENTATION GROUP A; ATAXIA-TELANGIECTASIA, FRESNO VARIANT; LOUIS-BAR SYNDROME; Ataxia-telangiectasia; Cerebello-oculocutaneous telangiectasia. Identifiers: Orphanet 100, MedGen C0004135, MONDO:0008840, OMIM 208900.

Allele frequency attached by ClinVar (database versions not stated): gnomAD exomes below 0.00001 and 0.00001; TOPMed below 0.00001; ExAC 0.00001; gnomAD 0.00001.
gnomAD v4.1: 9 of 1,606,750 alleles (0.00056%); highest among the groups gnomAD compares: Non-Finnish European, 0.00077%; no homozygotes.

Submissions (4):

Labcorp Genetics (formerly Invitae), Labcorp
Classification: Likely benign for Ataxia-telangiectasia syndrome. Last evaluated: 2025-12-09. Review status: criteria provided, single submitter. Criteria: Invitae Variant Classification Sherloc (09022015). Collection method: clinical testing. Allele origin: germline.

Myriad Genetics, Inc.
Classification: Likely benign for Familial cancer of breast. Last evaluated: 2024-05-10. Review status: criteria provided, single submitter. Criteria: Myriad Autosomal Dominant, Autosomal Recessive and X-Linked Classification Criteria (2023). Collection method: clinical testing. Allele origin: unknown.
Comment: This variant is considered likely benign. This variant is intronic and is not expected to impact mRNA splicing.

Color Diagnostics, LLC DBA Color Health
Classification: Likely benign for Hereditary cancer-predisposing syndrome. Last evaluated: 2018-01-01. Review status: criteria provided, single submitter. Criteria: ACMG Guidelines, 2015. Collection method: clinical testing. Allele origin: germline.

GeneDx
Classification: Likely benign. Last evaluated: 2016-10-27. Review status: criteria provided, single submitter. Criteria: GeneDx Variant Classification (06012015). Collection method: clinical testing. Allele origin: germline. Affected: yes.
Comment: This variant is considered likely benign or benign based on one or more of the following criteria: it is a conservative change, it occurs at a poorly conserved position in the protein, it is predicted to be benign by multiple in silico algorithms, and/or has population frequency not consistent with disease.

NM_000051.4(ATM):c.2839-16C>T

Gene: ATM (ATM serine/threonine kinase; plus strand). Cytogenetic location: 11q22.3.
Variant type: single nucleotide variant.
Coding change: c.2839-16C>T on transcript NM_000051.4 (MANE Select); 16 bases into the intron before coding-DNA position 2839, C replaced by T.
Molecular consequence: intron variant.
Genome position (GRCh38, 1-based): chr11:108,271,048, C>T. VCF-style: chr11-108271048-C-T. GRCh37 (hg19) VCF-style: chr11-108141775-C-T.
Other names: c.2839-16C>T (NM_001351834.2).
Identifiers: ClinVar variation 390558 (VCV000390558.12), dbSNP rs761953913, ClinGen allele CA6265130.